The following is an entry in ClinVar:

ClinVar aggregate classification (germline): Benign. Review status: criteria provided, multiple submitters, no conflicts (2 of 4 stars). 8 submissions from 8 submitters: Benign (5). 3 of the submissions do not count toward it. Last evaluated 2025-12-01.

Conditions:
Hypertrophic cardiomyopathy 1 (CMH1). Also called: Familial hypertrophic cardiomyopathy 1; MYH7-Related Familial Hypertrophic Cardiomyopathy. Identifiers: MedGen C3495498, MONDO:0008647, OMIM 192600.
Dilated cardiomyopathy 1EE (CMD1EE). Identifiers: Orphanet 154, MedGen C2750466, MONDO:0013198, OMIM 613252.
Hypertrophic cardiomyopathy 14. Identifiers: MedGen C2750467, MONDO:0013197, OMIM 613251.
Atrial septal defect 3 (ASD3). Identifiers: Orphanet 1478, MedGen C3279790, MONDO:0013567, OMIM 614089.
Sick sinus syndrome 3, susceptibility to (SSS3). Identifiers: Orphanet 166282, MedGen C3279791, MONDO:0013568, OMIM 614090.
Cardiomyopathy (CMYO). Also called: Cardiomyopathies. Identifiers: Orphanet 167848, MedGen C0878544, MONDO:0004994, HP:0001638. Inheritance: Various modes of inheritance.

Allele frequency attached by ClinVar (database versions not stated): gnomAD 0.00001 and 0.00029; TOPMed 0.00008; gnomAD exomes 0.00074 and 0.00149; ExAC 0.00165; 1000 Genomes Project 0.00180; 1000 Genomes Project 30x 0.00203.
gnomAD v4.1: 1,119 of 1,614,222 alleles (0.069%); highest among the groups gnomAD compares: South Asian, 1.2%; 13 homozygotes.

Submissions (8):

Labcorp Genetics (formerly Invitae), Labcorp
Classification: Benign for Hypertrophic cardiomyopathy 14. Last evaluated: 2025-12-01. Review status: criteria provided, single submitter. Criteria: Invitae Variant Classification Sherloc (09022015). Collection method: clinical testing. Allele origin: germline.

Fulgent Genetics
Classification: Benign for Hypertrophic cardiomyopathy 1; Hypertrophic cardiomyopathy 14; Dilated cardiomyopathy 1EE; Atrial septal defect 3; Sick sinus syndrome 3, susceptibility to. Last evaluated: 2021-07-14. Review status: criteria provided, single submitter. Criteria: ACMG Guidelines, 2015. Collection method: clinical testing. Allele origin: unknown.

CHEO Genetics Diagnostic Laboratory, Children's Hospital of Eastern Ontario
Classification: Benign for Cardiomyopathy. Last evaluated: 2021-04-29. Review status: criteria provided, single submitter. Criteria: ACMG Guidelines, 2015. Collection method: clinical testing. Allele origin: germline. Study: Canadian Open Genetics Repository.

GeneDx
Classification: Benign. Last evaluated: 2018-12-04. Review status: criteria provided, single submitter. Criteria: GeneDx Variant Classification Process June 2021. Collection method: clinical testing. Allele origin: germline. Affected: yes.

Laboratory for Molecular Medicine, Mass General Brigham Personalized Medicine
Classification: Benign. Last evaluated: 2015-07-23. Review status: criteria provided, single submitter. Criteria: LMM Criteria. Collection method: clinical testing. Allele origin: germline. Observed: 2 variant alleles.
Comment: c.4960-9G>A in intron 33 of MYH6: This variant is not expected to have clinical significance because it has been identified in 1.2% (195/16476) of South Asian c hromosomes by the Exome Aggregation Consortium (ExAC .org; dbSNP rs557113705).

Clinical Genetics DNA and cytogenetics Diagnostics Lab, Erasmus MC, Erasmus Medical Center
Classification: Likely benign. Review status: no assertion criteria provided. Collection method: clinical testing. Allele origin: germline. Affected: yes. Study: VKGL Data-share Consensus. Not counted in ClinVar's aggregate classification.

Clinical Genetics, Academic Medical Center
Classification: Benign. Review status: no assertion criteria provided. Collection method: clinical testing. Allele origin: germline. Affected: yes. Study: VKGL Data-share Consensus. Not counted in ClinVar's aggregate classification.

Diagnostic Laboratory, Department of Genetics, University Medical Center Groningen
Classification: Likely benign. Review status: no assertion criteria provided. Collection method: clinical testing. Allele origin: germline. Affected: yes. Study: VKGL Data-share Consensus. Not counted in ClinVar's aggregate classification.

NM_002471.4(MYH6):c.4960-9G>A

Genes: MYH6 (myosin heavy chain 6; minus strand), LOC126861896 (BRD4-independent group 4 enhancer GRCh37_chr14:23854904-23856103; plus strand). Cytogenetic location: 14q11.2.
Variant type: single nucleotide variant.
Coding change: c.4960-9G>A on transcript NM_002471.4 (MANE Select); 9 bases into the intron before coding-DNA position 4960, G replaced by A.
Molecular consequence: intron variant.
Genome position (GRCh38, 1-based): chr14:23,386,140, C>T on the plus strand (G>A on the coding strand, the complement: MYH6 is on the minus strand). VCF-style: chr14-23386140-C-T. GRCh37 (hg19) VCF-style: chr14-23855349-C-T.
Identifiers: ClinVar variation 179576 (VCV000179576.27), dbSNP rs557113705, ClinGen allele CA184696.
Genomic context (GRCh38, chr14:23,386,140, plus strand): 5'-CCTTCAGGTCGTCGTTGGCACGGACCGCATCGTCCAGCTGGATCTGGGTGTCCTGAGCAT[C>T]AGGAGAGTGGGTGTGAGCAGAAGCCAGCCTCGGTGCCCTTCACTGAGGGCACCTGTCAGA-3'